The following is an entry in ClinVar:

NM_006079.5(CITED2):c.541AGC[3] (p.Ser183_Gly184insSer)

Genes: CITED2 (Cbp/p300 interacting transactivator with Glu/Asp rich carboxy-terminal domain 2; minus strand), LOC129997307 (ATAC-STARR-seq lymphoblastoid silent region 17609; plus strand). Cytogenetic location: 6q24.1.
Variant type: Microsatellite.
Coding change: c.541AGC[3] on transcript NM_006079.5 (MANE Select); three copies in a row of the 3-base unit AGC starting at c.541; the reference has two copies in a row; one copy, 3 bases duplicated.
Protein change: p.Ser183_Gly184insSer.
Molecular consequence: inframe insertion.
Genome position (GRCh38, 1-based): chr6:139,373,399-139,373,401, GCT duplicated on the plus strand (AGC on the coding strand, the reverse complement: CITED2 is on the minus strand); duplicating any 3 consecutive bases within chr6:139,373,399-139,373,406 gives the same sequence; the position shown is the placement nearest the transcript's 3' end. VCF-style (leftmost placement, unchanged base first): chr6-139373398-A-AGCT. GRCh37 (hg19) VCF-style: chr6-139694535-A-AGCT.
Other names: c.541AGC[3], p.Ser183_Gly184insSer (NM_001168388.3); c.556AGC[3], p.Ser188_Gly189insSer (NM_001168389.3).
Identifiers: ClinVar variation 4536197 (VCV004536197.1).

ClinVar aggregate classification (germline): Uncertain significance (1 of 4 stars; one submission).

Submission:

GeneDx
Classification: Uncertain significance. Last evaluated: 2025-06-05. Review status: criteria provided, single submitter. Criteria: GeneDx Variant Classification Process June 2021. Collection method: clinical testing. Allele origin: germline. Affected: yes.
Comment: Not observed at significant frequency in large population cohorts (gnomAD); In-frame duplication of one amino acid in a non-repeat region; Has not been previously published as pathogenic or benign to our knowledge